The following is an entry in ClinVar:

ClinVar aggregate classification (germline): Uncertain significance. Review status: criteria provided, multiple submitters, no conflicts (2 of 4 stars). 2 submissions from 2 submitters: Uncertain significance (2). Last evaluated 2025-02-17.

Conditions:
Inborn genetic diseases. Identifiers: MedGen C0950123, MeSH D030342.
Episodic ataxia type 2 (EA2). Also called: CEREBELLAR ATAXIA, PAROXYSMAL, ACETAZOLAMIDE-RESPONSIVE; CEREBELLOPATHY, HEREDITARY PAROXYSMAL; EPISODIC ATAXIA, NYSTAGMUS-ASSOCIATED; ACETAZOLAMIDE-RESPONSIVE HEREDITARY PAROXYSMAL CEREBELLAR ATAXIA; ATAXIA, EPISODIC, WITH NYSTAGMUS; ATAXIA, FAMILIAL PAROXYSMAL. Identifiers: Orphanet 97, MedGen C1720416, MONDO:0007163, OMIM 108500.
Developmental and epileptic encephalopathy, 42 (DEE42A). Also called: Epileptic encephalopathy, early infantile, 42; DEVELOPMENTAL AND EPILEPTIC ENCEPHALOPATHY 42A; EPILEPTIC ENCEPHALOPATHY, EARLY INFANTILE, 42A. Identifiers: MedGen C4310716, MONDO:0014917, OMIM 617106.

Allele frequency attached by ClinVar (database versions not stated): gnomAD exomes below 0.00001.
gnomAD v4.1: 2 of 1,590,116 alleles (0.00013%); highest among the groups gnomAD compares: Non-Finnish European, 0.000086%; no homozygotes.

Submissions (2):

Ambry Genetics
Classification: Uncertain significance for Inborn genetic diseases. Last evaluated: 2025-02-17. Review status: criteria provided, single submitter. Criteria: Ambry Variant Classification Scheme 2023. Collection method: clinical testing. Allele origin: germline.

Labcorp Genetics (formerly Invitae), Labcorp
Classification: Uncertain significance for Developmental and epileptic encephalopathy, 42; Episodic ataxia type 2. Last evaluated: 2023-11-27. Review status: criteria provided, single submitter. Criteria: Invitae Variant Classification Sherloc (09022015). Collection method: clinical testing. Allele origin: germline.
Comment: This sequence change replaces glutamine, which is neutral and polar, with lysine, which is basic and polar, at codon 1118 of the CACNA1A protein (p.Gln1118Lys). This variant is not present in population databases (gnomAD no frequency). This variant has not been reported in the literature in individuals affected with CACNA1A-related conditions. Advanced modeling of protein sequence and biophysical properties (such as structural, functional, and spatial information, amino acid conservation, physicochemical variation, residue mobility, and thermodynamic stability) performed at Invitae indicates that this missense variant is not expected to disrupt CACNA1A protein function with a negative predictive value of 95%. In summary, the available evidence is currently insufficient to determine the role of this variant in disease. Therefore, it has been classified as a Variant of Uncertain Significance.

NM_001127222.2(CACNA1A):c.3349C>A (p.Gln1117Lys)

Gene: CACNA1A (calcium voltage-gated channel subunit alpha1 A; minus strand). Cytogenetic location: 19p13.13.
Variant type: single nucleotide variant.
Coding change: c.3349C>A on transcript NM_001127222.2 (MANE Select); coding-DNA position 3349, C replaced by A.
Protein change: p.Gln1117Lys; replaces glutamine 1117 with lysine.
Molecular consequence: missense variant.
Genome position (GRCh38, 1-based): chr19:13,286,707, G>T on the plus strand (C>A on the coding strand, the complement: CACNA1A is on the minus strand). VCF-style: chr19-13286707-G-T. GRCh37 (hg19) VCF-style: chr19-13397521-G-T.
Other names: c.3361C>A, p.Gln1121Lys (NM_000068.4, NM_023035.3); c.3352C>A, p.Gln1118Lys (NM_001127221.2, NM_001174080.2); short protein forms Q1121K, Q1117K, Q1118K.
Identifiers: ClinVar variation 2932280 (VCV002932280.4), dbSNP rs2512856985, ClinGen allele CA404341545.